The following is an entry in ClinVar:

NM_000494.4(COL17A1):c.946G>T (p.Ala316Ser)

Gene: COL17A1 (collagen type XVII alpha 1 chain; minus strand). Cytogenetic location: 10q25.1.
Variant type: single nucleotide variant.
Coding change: c.946G>T on transcript NM_000494.4 (MANE Select); coding-DNA position 946, G replaced by T.
Protein change: p.Ala316Ser; replaces alanine 316 with serine.
Molecular consequence: missense variant.
Genome position (GRCh38, 1-based): chr10:104,061,438, C>A on the plus strand (G>T on the coding strand, the complement: COL17A1 is on the minus strand). VCF-style: chr10-104061438-C-A. GRCh37 (hg19) VCF-style: chr10-105821196-C-A.
Other names: short protein forms A316S.
Identifiers: ClinVar variation 1919307 (VCV001919307.3), dbSNP rs974103482, ClinGen allele CA212423510.

ClinVar aggregate classification (germline): Uncertain significance (1 of 4 stars; one submission).

Allele frequency attached by ClinVar (database versions not stated): TOPMed below 0.00001; gnomAD exomes 0.00002.
gnomAD v4.1: 23 of 1,613,698 alleles (0.0014%); highest among the groups gnomAD compares: Non-Finnish European, 0.0019%; no homozygotes.

Submission:

Labcorp Genetics (formerly Invitae), Labcorp
Classification: Uncertain significance. Last evaluated: 2023-12-06. Review status: criteria provided, single submitter. Criteria: Invitae Variant Classification Sherloc (09022015). Collection method: clinical testing. Allele origin: germline.
Comment: This sequence change replaces alanine, which is neutral and non-polar, with serine, which is neutral and polar, at codon 316 of the COL17A1 protein (p.Ala316Ser). This variant is not present in population databases (gnomAD no frequency). This variant has not been reported in the literature in individuals affected with COL17A1-related conditions. ClinVar contains an entry for this variant (Variation ID: 1919307). Advanced modeling of protein sequence and biophysical properties (such as structural, functional, and spatial information, amino acid conservation, physicochemical variation, residue mobility, and thermodynamic stability) performed at Invitae indicates that this missense variant is not expected to disrupt COL17A1 protein function with a negative predictive value of 80%. In summary, the available evidence is currently insufficient to determine the role of this variant in disease. Therefore, it has been classified as a Variant of Uncertain Significance.